The following is an entry in ClinVar:

ClinVar aggregate classification (germline): Uncertain significance (1 of 4 stars; one submission).

gnomAD v4.1: 26 of 1,612,878 alleles (0.0016%); highest among the groups gnomAD compares: Non-Finnish European, 0.002%; no homozygotes.

Submission:

GeneDx
Classification: Uncertain significance. Last evaluated: 2024-06-24. Review status: criteria provided, single submitter. Criteria: GeneDx Variant Classification Process June 2021. Collection method: clinical testing. Allele origin: germline. Affected: yes.
Comment: Not observed at significant frequency in large population cohorts (gnomAD); In silico analysis supports that this missense variant has a deleterious effect on protein structure/function; Has not been previously published as pathogenic or benign to our knowledge

NM_006060.6(IKZF1):c.1306G>A (p.Asp436Asn)

Gene: IKZF1 (IKAROS family zinc finger 1; plus strand). Cytogenetic location: 7p12.2.
Variant type: single nucleotide variant.
Coding change: c.1306G>A on transcript NM_006060.6 (MANE Select); coding-DNA position 1306, G replaced by A.
Protein change: p.Asp436Asn; replaces aspartic acid 436 with asparagine.
Molecular consequence: missense variant.
Genome position (GRCh38, 1-based): chr7:50,400,373, G>A. VCF-style: chr7-50400373-G-A. GRCh37 (hg19) VCF-style: chr7-50468071-G-A.
Other names: c.1180G>A, p.Asp394Asn (NM_001220765.3, NM_001291837.2); c.1015G>A, p.Asp339Asn (NM_001220767.2); c.1045G>A, p.Asp349Asn (NM_001220768.2, NM_001291838.2); c.889G>A, p.Asp297Asn (NM_001220770.2); c.877G>A, p.Asp293Asn (NM_001220771.2, NM_001291841.1); c.919G>A, p.Asp307Asn (NM_001291839.2); c.616G>A, p.Asp206Asn (NM_001291840.1); c.847G>A, p.Asp283Asn (NM_001291842.1); and 3 more; short protein forms D206N, D241N, D251N, D283N, D293N, D297N, D307N, D339N.
Identifiers: ClinVar variation 3392844 (VCV003392844.1).
Genomic context (GRCh38, chr7:50,400,373, plus strand): 5'-AACCACATCGCCCCGCACGCGCGCAACGGGCTGTCGCTCAAGGAGGAGCACCGCGCCTAC[G>A]ACCTGCTGCGCGCCGCCTCCGAGAACTCGCAGGACGCGCTCCGCGTGGTCAGCACCAGCG-3'
Protein context (NP_006051.1, residues 426-446): LSLKEEHRAY[Asp436Asn]LLRAASENSQ